The following is an entry in ClinVar:

NM_000051.4(ATM):c.3146del (p.Leu1049fs)

Gene: ATM (ATM serine/threonine kinase; plus strand). Cytogenetic location: 11q22.3.
Variant type: Deletion.
Coding change: c.3146del on transcript NM_000051.4 (MANE Select); coding-DNA position 3146, one base deleted (T; older notation c.3146delT).
Protein change: p.Leu1049fs; shifts the reading frame from leucine 1049.
Molecular consequence: frameshift variant.
Genome position (GRCh38, 1-based): chr11:108,272,600, T deleted; the last of 3 consecutive T bases (chr11:108,272,598-108,272,600); deleting any one gives the same sequence. VCF-style (leftmost placement, unchanged base first): chr11-108272597-CT-C. GRCh37 (hg19) VCF-style: chr11-108143324-CT-C.
Other names: c.3146del, p.Leu1049fs (NM_001351834.2); short protein forms L1049fs.
Identifiers: ClinVar variation 3148270 (VCV003148270.1), dbSNP rs1565427961, ClinGen allele CA2825001820.

ClinVar aggregate classification (germline): Pathogenic (1 of 4 stars; one submission).

Conditions:
Familial cancer of breast. Also called: BREAST CANCER, FAMILIAL; Hereditary breast cancer; hereditary breast carcinoma. Identifiers: Orphanet 227535, MedGen C0346153, MONDO:0016419, OMIM 114480. Disease mechanism: loss of function.

Submission:

Myriad Genetics, Inc.
Classification: Pathogenic for Familial cancer of breast. Last evaluated: 2024-01-18. Review status: criteria provided, single submitter. Criteria: Myriad Autosomal Dominant, Autosomal Recessive and X-Linked Classification Criteria (2023). Collection method: clinical testing. Allele origin: unknown.
Comment: This variant is considered pathogenic. This variant creates a frameshift predicted to result in premature protein truncation.